The following is an entry in ClinVar:

NM_001852.4(COL9A2):c.982G>T (p.Gly328Ter)

Gene: COL9A2 (collagen type IX alpha 2 chain; minus strand). Cytogenetic location: 1p34.2.
Variant type: single nucleotide variant.
Coding change: c.982G>T on transcript NM_001852.4 (MANE Select); coding-DNA position 982, G replaced by T.
Protein change: p.Gly328Ter; replaces glycine 328 with a stop codon.
Molecular consequence: nonsense.
Genome position (GRCh38, 1-based): chr1:40,307,472, C>A on the plus strand (G>T on the coding strand, the complement: COL9A2 is on the minus strand). VCF-style: chr1-40307472-C-A. GRCh37 (hg19) VCF-style: chr1-40773144-C-A.
Other names: short protein forms G328*.
Identifiers: ClinVar variation 1387733 (VCV001387733.1), dbSNP rs199733570, ClinGen allele CA339852369.
Genomic context (GRCh38, chr1:40,307,472, plus strand): 5'-CTGGCCAGCCCCTGTGGCTCCACCTGACACTTACCGCTAGGCCCTGGTGGCCTGGACTTC[C>A]GGGCTGTCCCGCCTGTCCTGCACTGCCCTGGGATAGACAGATAACCAAAGATACAAATTA-3'

ClinVar aggregate classification (germline): Uncertain significance (1 of 4 stars; one submission).

Submission:

Labcorp Genetics (formerly Invitae), Labcorp
Classification: Uncertain significance. Last evaluated: 2021-10-18. Review status: criteria provided, single submitter. Criteria: Invitae Variant Classification Sherloc (09022015). Collection method: clinical testing. Allele origin: germline.
Comment: This sequence change creates a premature translational stop signal (p.Gly328*) in the COL9A2 gene. It is expected to result in an absent or disrupted protein product. However, the current clinical and genetic evidence is not sufficient to establish whether loss-of-function variants in COL9A2 cause disease. This variant is not present in population databases (gnomAD no frequency). This variant has not been reported in the literature in individuals affected with COL9A2-related conditions. In summary, the available evidence is currently insufficient to determine the role of this variant in disease. Therefore, it has been classified as a Variant of Uncertain Significance.